The following is an entry in ClinVar:

ClinVar aggregate classification (germline): Uncertain significance (1 of 4 stars; one submission).

Conditions:
Dystonia 30. Identifiers: MedGen C5543312, MONDO:0025691, OMIM 619291.

Submission:

Laboratorio de Genetica e Diagnostico Molecular, Hospital Israelita Albert Einstein
Classification: Uncertain significance for Dystonia 30. Last evaluated: 2026-02-06. Review status: criteria provided, single submitter. Criteria: ACMG Guidelines, 2015. Collection method: clinical testing. Allele origin: germline. Affected: yes.
Comment: ACMG classification criteria: PVS1 strong, PM2 supporting

NM_022575.4(VPS16):c.59_60del (p.Lys19_Tyr20insTer)

Gene: VPS16 (VPS16 core subunit of CORVET and HOPS complexes; plus strand). Cytogenetic location: 20p13.
Variant type: Microsatellite.
Coding change: c.59_60del on transcript NM_022575.4 (MANE Select); coding-DNA positions 59 to 60, 2 bases deleted (AT; older notation c.59_60delAT).
Protein change: p.Lys19_Tyr20insTer.
Molecular consequence: nonsense.
Genome position (GRCh38, 1-based): chr20:2,859,724-2,859,725, AT deleted; deleting any 2 consecutive bases within chr20:2,859,722-2,859,725 gives the same sequence; the c. name uses the placement nearest the transcript's 3' end. VCF-style (leftmost placement, unchanged base first): chr20-2859721-AAT-A. GRCh37 (hg19) VCF-style: chr20-2840367-AAT-A.
Other names: c.59_60del, p.Lys19_Tyr20insTer (NM_080413.3).
Identifiers: ClinVar variation 4846960 (VCV004846960.1).